The following is an entry in ClinVar:

ClinVar aggregate classification (germline): Uncertain significance (1 of 4 stars; one submission).

Conditions:
Bailey-Bloch congenital myopathy (CMYO13). Also called: Congenital myopathy 13; STAC3 disorder; Native American myopathy. Identifiers: Orphanet 168572, MedGen C1850625, MONDO:0009722, OMIM 255995.

Submission:

Labcorp Genetics (formerly Invitae), Labcorp
Classification: Uncertain significance for Bailey-Bloch congenital myopathy. Last evaluated: 2021-09-01. Review status: criteria provided, single submitter. Criteria: Invitae Variant Classification Sherloc (09022015). Collection method: clinical testing. Allele origin: germline.
Comment: This sequence change replaces proline with leucine at codon 100 of the STAC3 protein (p.Pro100Leu). The proline residue is highly conserved and there is a moderate physicochemical difference between proline and leucine. This variant is not present in population databases (ExAC no frequency). This variant has not been reported in the literature in individuals affected with STAC3-related conditions. Algorithms developed to predict the effect of missense changes on protein structure and function are either unavailable or do not agree on the potential impact of this missense change (SIFT: "Tolerated"; PolyPhen-2: "Probably Damaging"; Align-GVGD: "Class C0"). In summary, the available evidence is currently insufficient to determine the role of this variant in disease. Therefore, it has been classified as a Variant of Uncertain Significance.

NM_145064.3(STAC3):c.299C>T (p.Pro100Leu)

Gene: STAC3 (SH3 and cysteine rich domain 3; minus strand). Cytogenetic location: 12q13.3.
Variant type: single nucleotide variant.
Coding change: c.299C>T on transcript NM_145064.3 (MANE Select); coding-DNA position 299, C replaced by T.
Protein change: p.Pro100Leu; replaces proline 100 with leucine.
Molecular consequence: missense variant. On other transcripts: intron variant (1).
Genome position (GRCh38, 1-based): chr12:57,249,076, G>A on the plus strand (C>T on the coding strand, the complement: STAC3 is on the minus strand). VCF-style: chr12-57249076-G-A. GRCh37 (hg19) VCF-style: chr12-57642859-G-A.
Other names: c.182C>T, p.Pro61Leu (NM_001286256.2); c.-126-878C>T (NM_001286257.2); short protein forms P100L, P61L.
Identifiers: ClinVar variation 582541 (VCV000582541.8), dbSNP rs1176692820, ClinGen allele CA385416755.
Genomic context (GRCh38, chr12:57,249,076, plus strand): 5'-CTCTTCACTTCCCTTCATGACTCACGAACAATCATCCGGGCACAGACATCACAGAACTTT[G>A]GCTTCTTGAAGAAGTGATCTTTGAATTTGTGGGGCTTATCGTTGACCAGCTTAGGAGGTT-3'
Protein context (NP_659501.1, residues 90-110): HKFKDHFFKK[Pro100Leu]KFCDVCARMI